The following is an entry in ClinVar:

ClinVar aggregate classification (germline): Uncertain significance (1 of 4 stars; one submission).

Conditions:
Hereditary pancreatitis (PCTT). Also called: PRSS1-Related Hereditary Pancreatitis; Hereditary chronic pancreatitis. Identifiers: Orphanet 676, MedGen C0238339, MONDO:0008185, OMIM 167800.

Allele frequency attached by ClinVar (database versions not stated): gnomAD exomes below 0.00001.
gnomAD v4.1: 2 of 1,614,216 alleles (0.00012%); highest among the groups gnomAD compares: Non-Finnish European, 0.00017%; no homozygotes.

Submission:

Ambry Genetics
Classification: Uncertain significance for Hereditary pancreatitis. Last evaluated: 2023-07-31. Review status: criteria provided, single submitter. Criteria: Ambry Variant Classification Scheme 2023. Collection method: clinical testing. Allele origin: germline.
Comment: The p.S307I variant (also known as c.920G>T), located in coding exon 8 of the CPA1 gene, results from a G to T substitution at nucleotide position 920. The serine at codon 307 is replaced by isoleucine, an amino acid with dissimilar properties. This amino acid position is conserved. In addition, this alteration is predicted to be deleterious by in silico analysis. Since supporting evidence is limited at this time, the clinical significance of this alteration remains unclear.

NM_001868.4(CPA1):c.920G>T (p.Ser307Ile)

Gene: CPA1 (carboxypeptidase A1; plus strand). Cytogenetic location: 7q32.2.
Variant type: single nucleotide variant.
Coding change: c.920G>T on transcript NM_001868.4 (MANE Select); coding-DNA position 920, G replaced by T.
Protein change: p.Ser307Ile; replaces serine 307 with isoleucine.
Molecular consequence: missense variant.
Genome position (GRCh38, 1-based): chr7:130,385,278, G>T. VCF-style: chr7-130385278-G-T. GRCh37 (hg19) VCF-style: chr7-130025119-G-T.
Other names: short protein forms S307I.
Identifiers: ClinVar variation 2625443 (VCV002625443.2), dbSNP rs2536012277, ClinGen allele CA369283748.
Genomic context (GRCh38, chr7:130,385,278, plus strand): 5'-AGTCCATTGTAGACTTTGTGAAGGACCATGGGAACATCAAGGCCTTCATCTCCATCCACA[G>T]CTACTCCCAGCTCCTCATGTATCCCTATGGCTACAAAACAGAACCAGTCCCTGACCAGGA-3'
Protein context (NP_001859.1, residues 297-317): GNIKAFISIH[Ser307Ile]YSQLLMYPYG